The following is an entry in ClinVar:

ClinVar aggregate classification (germline): Likely pathogenic (1 of 4 stars; one submission).

Submission:

GeneDx
Classification: Likely pathogenic. Last evaluated: 2026-10-16. Review status: criteria provided, single submitter. Criteria: GeneDx Variant Classification Process June 2021. Collection method: clinical testing. Allele origin: germline.
Comment: Nonsense variant predicted to result in protein truncation, as the last 384 amino acids are lost, and other loss-of-function variants have been reported downstream in HGMD; Not observed at significant frequency in large population cohorts (gnomAD); Has not been previously published as pathogenic or benign to our knowledge

NM_000834.5(GRIN2B):c.3301G>T (p.Glu1101Ter)

Gene: GRIN2B (glutamate ionotropic receptor NMDA type subunit 2B; minus strand). Cytogenetic location: 12p13.1.
Variant type: single nucleotide variant.
Coding change: c.3301G>T on transcript NM_000834.5 (MANE Select); coding-DNA position 3301, G replaced by T.
Protein change: p.Glu1101Ter; replaces glutamic acid 1101 with a stop codon.
Molecular consequence: nonsense.
Genome position (GRCh38, 1-based): chr12:13,563,937, C>A on the plus strand (G>T on the coding strand, the complement: GRIN2B is on the minus strand). VCF-style: chr12-13563937-C-A. GRCh37 (hg19) VCF-style: chr12-13716871-C-A.
Other names: short protein forms E1101*.
Identifiers: ClinVar variation 488887 (VCV000488887.4), dbSNP rs1555102308, ClinGen allele CA383990083.